The following is an entry in ClinVar:

NM_032656.4(DHX37):c.2696-2A>G

Gene: DHX37 (DEAH-box helicase 37; minus strand). Cytogenetic location: 12q24.31.
Variant type: single nucleotide variant.
Coding change: c.2696-2A>G on transcript NM_032656.4 (MANE Select); the canonical splice acceptor site of the intron before coding-DNA position 2696, A replaced by G.
Molecular consequence: splice acceptor variant.
Genome position (GRCh38, 1-based): chr12:124,952,572, T>C on the plus strand (A>G on the coding strand, the complement: DHX37 is on the minus strand). VCF-style: chr12-124952572-T-C. GRCh37 (hg19) VCF-style: chr12-125437118-T-C.
Identifiers: ClinVar variation 3774293 (VCV003774293.1).
Genomic context (GRCh38, chr12:124,952,572, plus strand): 5'-GGTGGGCGGCTGCATCTTGGGATCCACGAAGAGCTCAGCCTCGGGGCACACGGCATTGAC[T>C]GAGGGGAGAACCAAGAGTGAGGTCGGTGGTGGCAAGGCCCGGAGCCAGCTCTGCCCTGAC-3'

ClinVar aggregate classification (germline): Uncertain significance (1 of 4 stars; one submission).

gnomAD v4.1: 1 of 1,575,448 alleles (0.000063%); highest among the groups gnomAD compares: Non-Finnish European, 0.000087%; no homozygotes.

Submission:

GeneDx
Classification: Uncertain significance. Last evaluated: 2024-09-23. Review status: criteria provided, single submitter. Criteria: GeneDx Variant Classification Process June 2021. Collection method: clinical testing. Allele origin: germline. Affected: yes.
Comment: Not observed at significant frequency in large population cohorts (gnomAD); Canonical splice site variant in a gene or region of a gene for which loss of function is not a well-established mechanism of disease; Has not been previously published as pathogenic or benign to our knowledge